The following is an entry in ClinVar:

NM_015275.3(WASHC4):c.834G>A (p.Val278=)

Gene: WASHC4 (WASH complex subunit 4; plus strand). Cytogenetic location: 12q23.3.
Variant type: single nucleotide variant.
Coding change: c.834G>A on transcript NM_015275.3 (MANE Select); coding-DNA position 834, G replaced by A.
Protein change: p.Val278=; no amino-acid change (valine 278 retained).
Molecular consequence: synonymous variant.
Genome position (GRCh38, 1-based): chr12:105,126,051, G>A. VCF-style: chr12-105126051-G-A. GRCh37 (hg19) VCF-style: chr12-105519829-G-A.
Other names: c.834G>A, p.Val278= (NM_001293640.2).
Identifiers: ClinVar variation 4822676 (VCV004822676.4).

ClinVar aggregate classification (germline): Likely benign (1 of 4 stars; one submission).

gnomAD v4.1: 17 of 1,612,588 alleles (0.0011%); highest among the groups gnomAD compares: Non-Finnish European, 0.0014%; no homozygotes.

Submission:

CeGaT Center for Human Genetics Tuebingen
Classification: Likely benign. Last evaluated: 2026-02-01. Review status: criteria provided, single submitter. Criteria: CeGaT Center For Human Genetics Tuebingen Variant Classification Criteria Version 2. Collection method: clinical testing. Allele origin: germline. Affected: yes. Observed: 1 variant allele.
Comment: WASHC4: BP4, BP7